The following is an entry in ClinVar:

NM_006506.5(RASA2):c.-15G>C

Genes: RASA2 (RAS p21 protein activator 2; plus strand), LOC129937686 (ATAC-STARR-seq lymphoblastoid silent region 14777; plus strand). Cytogenetic location: 3q23.
Variant type: single nucleotide variant.
Coding change: c.-15G>C on transcript NM_006506.5 (MANE Select); 15 bases upstream of the start codon, G replaced by C.
Molecular consequence: 5 prime UTR variant.
Genome position (GRCh38, 1-based): chr3:141,487,069, G>C. VCF-style: chr3-141487069-G-C. GRCh37 (hg19) VCF-style: chr3-141205911-G-C.
Other names: c.-15G>C (NM_001303245.3, NM_001303246.3).
Identifiers: ClinVar variation 929178 (VCV000929178.1), dbSNP rs767937276, ClinGen allele CA2645064.

ClinVar aggregate classification (germline): Uncertain significance (1 of 4 stars; one submission).

Allele frequency attached by ClinVar (database versions not stated): gnomAD exomes 0.00006; TOPMed 0.00006.
gnomAD v4.1: 86 of 1,261,912 alleles (0.0068%); highest among the groups gnomAD compares: Non-Finnish European, 0.0081%; no homozygotes.

Submission:

Women's Health and Genetics/Laboratory Corporation of America, LabCorp
Classification: Uncertain significance. Last evaluated: 2019-09-01. Review status: criteria provided, single submitter. Criteria: LabCorp Variant Classification Summary - May 2015. Collection method: clinical testing. Allele origin: germline.
Comment: Variant summary: RASA2 c.-15G>C is located in the untranslated mRNA region upstream of the initiation codon. The variant allele was found at a frequency of 6.3e-05 in 15774 control chromosomes. The available data on variant occurrences in the general population are insufficient to allow any conclusion about variant significance. To our knowledge, no occurrence of c.-15G>C in individuals affected with Noonan Syndrome and Related Conditions and no experimental evidence demonstrating its impact on protein function have been reported. No clinical diagnostic laboratories have submitted clinical-significance assessments for this variant to ClinVar after 2014. Based on the evidence outlined above, the variant was classified as uncertain significance.